The following is an entry in ClinVar:

NM_000215.4(JAK3):c.936dup (p.Gly313fs)

Gene: JAK3 (Janus kinase 3; minus strand). Cytogenetic location: 19p13.11.
Variant type: Duplication.
Coding change: c.936dup on transcript NM_000215.4 (MANE Select); coding-DNA position 936, one base duplicated (C; older notation c.936dupC).
Protein change: p.Gly313fs; shifts the reading frame from glycine 313.
Molecular consequence: frameshift variant.
Genome position (GRCh38, 1-based): chr19:17,841,688, G duplicated on the plus strand (C on the coding strand, the reverse complement: JAK3 is on the minus strand); the first of 2 consecutive G bases (chr19:17,841,688-17,841,689); duplicating either gives the same sequence. VCF-style (leftmost placement, unchanged base first): chr19-17841687-C-CG. GRCh37 (hg19) VCF-style: chr19-17952496-C-CG.
Other names: short protein forms G313fs.
Identifiers: ClinVar variation 2844878 (VCV002844878.3), dbSNP rs2514572030, ClinGen allele CA2739276623.

ClinVar aggregate classification (germline): Pathogenic (1 of 4 stars; one submission).

Conditions:
T-B+ severe combined immunodeficiency due to JAK3 deficiency. Also called: SCID, T CELL-NEGATIVE, B CELL-POSITIVE, NK CELL-NEGATIVE; SCID, autosomal recessive, T-negative/B-positive type. Identifiers: Orphanet 35078, MedGen C1833275, MONDO:0010938, OMIM 600802.

Submission:

Labcorp Genetics (formerly Invitae), Labcorp
Classification: Pathogenic for T-B+ severe combined immunodeficiency due to JAK3 deficiency. Last evaluated: 2023-03-10. Review status: criteria provided, single submitter. Criteria: Invitae Variant Classification Sherloc (09022015). Collection method: clinical testing. Allele origin: germline.
Comment: This variant is not present in population databases (gnomAD no frequency). This sequence change creates a premature translational stop signal (p.Gly313Argfs*97) in the JAK3 gene. It is expected to result in an absent or disrupted protein product. Loss-of-function variants in JAK3 are known to be pathogenic (PMID: 7481768, 11668621). This variant has not been reported in the literature in individuals affected with JAK3-related conditions. For these reasons, this variant has been classified as Pathogenic.

Literature cited by the submitters: PubMed 7481768; PubMed 11668621.